The following is an entry in ClinVar:

ClinVar aggregate classification (germline): Uncertain significance (1 of 4 stars; one submission).

Conditions:
Inborn genetic diseases. Identifiers: MedGen C0950123, MeSH D030342.

Submission:

Ambry Genetics
Classification: Uncertain significance for Inborn genetic diseases. Last evaluated: 2025-05-05. Review status: criteria provided, single submitter. Criteria: Ambry Variant Classification Scheme 2023. Collection method: clinical testing. Allele origin: germline.
Comment: The p.Q1225H variant (also known as c.3675A>C), located in coding exon 25 of the ANKRD26 gene, results from an A to C substitution at nucleotide position 3675. The glutamine at codon 1225 is replaced by histidine, an amino acid with highly similar properties. This amino acid position is conserved. In addition, this alteration is predicted to be tolerated by in silico analysis. Based on the available evidence, the clinical significance of this variant remains unclear.

NM_014915.3(ANKRD26):c.3675A>C (p.Gln1225His)

Gene: ANKRD26 (ankyrin repeat domain containing 26; minus strand). Cytogenetic location: 10p12.1.
Variant type: single nucleotide variant.
Coding change: c.3675A>C on transcript NM_014915.3 (MANE Select); coding-DNA position 3675, A replaced by C.
Protein change: p.Gln1225His; replaces glutamine 1225 with histidine.
Molecular consequence: missense variant.
Genome position (GRCh38, 1-based): chr10:27,033,357, T>G on the plus strand (A>C on the coding strand, the complement: ANKRD26 is on the minus strand). VCF-style: chr10-27033357-T-G. GRCh37 (hg19) VCF-style: chr10-27322286-T-G.
Other names: c.3672A>C, p.Gln1224His (NM_001256053.2); short protein forms Q1225H, Q1224H.
Identifiers: ClinVar variation 3914226 (VCV003914226.1).